The following is an entry in ClinVar:

NM_000288.4(PEX7):c.514G>C (p.Ala172Pro)

Gene: PEX7 (peroxisomal biogenesis factor 7; plus strand). Cytogenetic location: 6q23.3.
Variant type: single nucleotide variant.
Coding change: c.514G>C on transcript NM_000288.4 (MANE Select); coding-DNA position 514, G replaced by C.
Protein change: p.Ala172Pro; replaces alanine 172 with proline.
Molecular consequence: missense variant.
Genome position (GRCh38, 1-based): chr6:136,846,169, G>C. VCF-style: chr6-136846169-G-C. GRCh37 (hg19) VCF-style: chr6-137167307-G-C.
Other names: short protein forms A172P.
Identifiers: ClinVar variation 594676 (VCV000594676.10), dbSNP rs1562734989, ClinGen allele CA365857364.

ClinVar aggregate classification (germline): Uncertain significance. Review status: criteria provided, multiple submitters, no conflicts (2 of 4 stars). 2 submissions from 2 submitters: Uncertain significance (2). Last evaluated 2023-07-10.

Conditions:
Peroxisome biogenesis disorder 9B. Also called: PEX7-Related Refsum Disease; PEROXISOME BIOGENESIS DISORDER, PEX7-RELATED, ATYPICAL; Refsum disease, adult, 2. Identifiers: Orphanet 773, MedGen C2749346, MONDO:0013945, OMIM 614879.

Submissions (2):

Labcorp Genetics (formerly Invitae), Labcorp
Classification: Uncertain significance for Peroxisome biogenesis disorder 9B. Last evaluated: 2023-07-10. Review status: criteria provided, single submitter. Criteria: Invitae Variant Classification Sherloc (09022015). Collection method: clinical testing. Allele origin: germline.
Comment: ClinVar contains an entry for this variant (Variation ID: 594676). An algorithm developed to predict the effect of missense changes on protein structure and function (PolyPhen-2) suggests that this variant is likely to be disruptive. In summary, the available evidence is currently insufficient to determine the role of this variant in disease. Therefore, it has been classified as a Variant of Uncertain Significance. This variant has not been reported in the literature in individuals affected with PEX7-related conditions. This sequence change replaces alanine, which is neutral and non-polar, with proline, which is neutral and non-polar, at codon 172 of the PEX7 protein (p.Ala172Pro). This variant is not present in population databases (gnomAD no frequency).

Eurofins Ntd Llc (ga)
Classification: Uncertain significance. Last evaluated: 2017-10-24. Review status: criteria provided, single submitter. Criteria: EGL Classification Definitions 2015. Collection method: clinical testing. Allele origin: germline. Observed: 1 variant allele, 1 heterozygote.